The following is an entry in ClinVar:

NM_004006.3(DMD):c.9286+166A>T

Gene: DMD (dystrophin; minus strand). Cytogenetic location: Xp21.2.
Variant type: single nucleotide variant.
Coding change: c.9286+166A>T on transcript NM_004006.3 (MANE Select); 166 bases into the intron after coding-DNA position 9286, A replaced by T.
Molecular consequence: intron variant.
Genome position (GRCh38, 1-based): chrX:31,260,789, T>A on the plus strand (A>T on the coding strand, the complement: DMD is on the minus strand). VCF-style: chrX-31260789-T-A. GRCh37 (hg19) VCF-style: chrX-31278906-T-A.
Other names: c.9262+166A>T (NM_000109.4); c.5263+166A>T (NM_004011.4); c.5254+166A>T (NM_004012.4); c.1906+166A>T (NM_004023.3, NM_004020.4, NM_004022.3 and 2 more transcripts); c.1099+166A>T (NM_004014.3); c.82+166A>T (NM_004018.3, NM_004017.3, NM_004016.3 and 2 more transcripts); c.9274+166A>T (NM_004009.3); c.8917+166A>T (NM_004010.3).
Identifiers: ClinVar variation 676082 (VCV000676082.2), dbSNP rs186287760, ClinGen allele CA328412597.

ClinVar aggregate classification (germline): Likely benign. Review status: criteria provided, multiple submitters, no conflicts (2 of 4 stars). 2 submissions from 2 submitters: Likely benign (2). Last evaluated 2018-06-14.

Allele frequency attached by ClinVar (database versions not stated): gnomAD 0.00709 and 0.00767; 1000 Genomes Project 0.00795; 1000 Genomes Project 30x 0.00812; TOPMed 0.00876.
gnomAD v4.1: 786 of 112,091 alleles (0.7%); highest among the groups gnomAD compares: African/African-American, 2.4%; 7 homozygotes.

Submissions (2):

GeneDx
Classification: Likely benign. Last evaluated: 2018-06-14. Review status: criteria provided, single submitter. Criteria: GeneDx Variant Classification (06012015). Collection method: clinical testing. Allele origin: germline. Affected: yes.
Comment: This variant is considered likely benign or benign based on one or more of the following criteria: it is a conservative change, it occurs at a poorly conserved position in the protein, it is predicted to be benign by multiple in silico algorithms, and/or has population frequency not consistent with disease.

Breakthrough Genomics
Classification: Likely benign. Review status: criteria provided, single submitter. Criteria: ACMG Guidelines, 2015. Collection method: not provided. Allele origin: germline. Inheritance: X-linked inheritance. Affected: yes.